The following is an entry in ClinVar:

NM_014264.5(PLK4):c.60del (p.Gly21fs)

Gene: PLK4 (polo like kinase 4; plus strand). Cytogenetic location: 4q28.1.
Variant type: Deletion.
Coding change: c.60del on transcript NM_014264.5 (MANE Select); coding-DNA position 60, one base deleted (A; older notation c.60delA).
Protein change: p.Gly21fs; shifts the reading frame from glycine 21.
Molecular consequence: frameshift variant. On other transcripts: 5 prime UTR variant (1).
Genome position (GRCh38, 1-based): chr4:127,881,860, A deleted; the last of 3 consecutive A bases (chr4:127,881,858-127,881,860); deleting any one gives the same sequence. VCF-style (leftmost placement, unchanged base first): chr4-127881857-TA-T. GRCh37 (hg19) VCF-style: chr4-128803012-TA-T.
Other names: c.60del, p.Gly21fs (NM_001190799.2); c.-64del (NM_001190801.2); short protein forms G21fs.
Identifiers: ClinVar variation 1075626 (VCV001075626.5), dbSNP rs772719023, ClinGen allele CA3076478.
Genomic context (GRCh38, chr4:127,881,857, plus strand): 5'-TCATCACACATAATCTTTAATTTTAACTTTTAAGGATTTTAAAGTTGGAAATCTGCTTGG[TA>T]AAGGATCATTTGCTGGTGTCTACAGAGCTGAGTCCATTCACACTGGTTTGGAAGTTGCAA-3'

ClinVar aggregate classification (germline): Pathogenic (1 of 4 stars; one submission).

Submission:

Labcorp Genetics (formerly Invitae), Labcorp
Classification: Pathogenic. Last evaluated: 2023-12-22. Review status: criteria provided, single submitter. Criteria: Invitae Variant Classification Sherloc (09022015). Collection method: clinical testing. Allele origin: germline.
Comment: This sequence change creates a premature translational stop signal (p.Gly21Aspfs*22) in the PLK4 gene. It is expected to result in an absent or disrupted protein product. Loss-of-function variants in PLK4 are known to be pathogenic (PMID: 25320347, 30842647). This variant is present in population databases (rs772719023, gnomAD 0.002%). This variant has not been reported in the literature in individuals affected with PLK4-related conditions. ClinVar contains an entry for this variant (Variation ID: 1075626). Algorithms developed to predict the effect of sequence changes on RNA splicing suggest that this variant may disrupt the consensus splice site. For these reasons, this variant has been classified as Pathogenic.

Literature cited by the submitters: PubMed 25320347; PubMed 30842647.